The following is an entry in ClinVar:

NM_207421.4(PADI6):c.1493del (p.Lys498fs)

Gene: PADI6 (peptidyl arginine deiminase 6; plus strand). Cytogenetic location: 1p36.13.
Variant type: Deletion.
Coding change: c.1493del on transcript NM_207421.4 (MANE Select); coding-DNA position 1493, one base deleted (A; older notation c.1493delA).
Protein change: p.Lys498fs; shifts the reading frame from lysine 498.
Molecular consequence: frameshift variant.
Genome position (GRCh38, 1-based): chr1:17,395,106, A deleted; the last of 5 consecutive A bases (chr1:17,395,102-17,395,106); deleting any one gives the same sequence. VCF-style (leftmost placement, unchanged base first): chr1-17395101-CA-C. GRCh37 (hg19) VCF-style: chr1-17721597-CA-C.
Other names: c.1493delA (NM_207421.4); short protein forms K498fs.
Identifiers: ClinVar variation 3345192 (VCV003345192.1).

ClinVar aggregate classification (germline): Likely pathogenic (0 of 4 stars; one submission).

Conditions:
PADI6-related disorder. Also called: PADI6-related condition.

Submission:

PreventionGenetics, part of Exact Sciences
Classification: Likely pathogenic for PADI6-related condition. Last evaluated: 2024-06-05. Review status: no assertion criteria provided. Collection method: clinical testing. Allele origin: germline.
Comment: The PADI6 c.1493delA variant is predicted to result in a frameshift and premature protein termination (p.Lys498Argfs*58). To our knowledge, this variant has not been reported in the literature or in a large population database, indicating this variant is rare. Truncating variants in PADI6 are expected to be pathogenic. This variant is interpreted as likely pathogenic.